The following is an entry in ClinVar:

ClinVar aggregate classification (germline): Likely benign. Review status: criteria provided, single submitter (1 of 4 stars). 2 submissions from 2 submitters: Likely benign (1). 1 of the submissions does not count toward it. Last evaluated 2025-10-16.

Conditions:
Nephronophthisis. Also called: Juvenile Nephronophthisis. Identifiers: Orphanet 655, MedGen C0687120, MONDO:0019005, HP:0000090.
NPHP4-related disorder. Also called: NPHP4-related disorders; NPHP4-related condition. Identifiers: MedGen CN239384.

Allele frequency attached by ClinVar (database versions not stated): gnomAD 0.00001; ExAC 0.00002; gnomAD exomes 0.00002; TOPMed 0.00002; ESP Exome Variant Server 0.00015.
gnomAD v4.1: 30 of 1,607,382 alleles (0.0019%); highest among the groups gnomAD compares: Non-Finnish European, 0.0025%; no homozygotes.

Submissions (2):

Labcorp Genetics (formerly Invitae), Labcorp
Classification: Likely benign for Nephronophthisis. Last evaluated: 2025-10-16. Review status: criteria provided, single submitter. Criteria: Invitae Variant Classification Sherloc (09022015). Collection method: clinical testing. Allele origin: germline.

PreventionGenetics, part of Exact Sciences
Classification: Likely benign for NPHP4-related condition. Last evaluated: 2023-07-30. Review status: no assertion criteria provided. Collection method: clinical testing. Allele origin: germline. Not counted in ClinVar's aggregate classification.
Comment: This variant is classified as likely benign based on ACMG/AMP sequence variant interpretation guidelines (Richards et al. 2015 PMID: 25741868, with internal and published modifications).

NM_015102.5(NPHP4):c.2856A>G (p.Leu952=)

Gene: NPHP4 (nephrocystin 4; minus strand). Cytogenetic location: 1p36.31.
Variant type: single nucleotide variant.
Coding change: c.2856A>G on transcript NM_015102.5 (MANE Select); coding-DNA position 2856, A replaced by G.
Protein change: p.Leu952=; no amino-acid change (leucine 952 retained).
Molecular consequence: synonymous variant. On other transcripts: non-coding transcript variant (1).
Genome position (GRCh38, 1-based): chr1:5,875,062, T>C on the plus strand (A>G on the coding strand, the complement: NPHP4 is on the minus strand). VCF-style: chr1-5875062-T-C. GRCh37 (hg19) VCF-style: chr1-5935122-T-C.
Other names: c.1317A>G, p.Leu439= (NM_001291593.2); c.1320A>G, p.Leu440= (NM_001291594.2).
Identifiers: ClinVar variation 3049777 (VCV003049777.3), dbSNP rs373990572, ClinGen allele CA553898.